The following is an entry in ClinVar:

ClinVar aggregate classification (germline): Uncertain significance. Review status: criteria provided, multiple submitters, no conflicts (2 of 4 stars). 3 submissions from 3 submitters: Uncertain significance (2). 1 of the submissions does not count toward it. Last evaluated 2024-10-29.

Conditions:
Retinal dystrophy. Also called: Inherited retinal dystrophy. Identifiers: Orphanet 71862, MedGen C0854723, MeSH D058499, MONDO:0019118, HP:0000556.

Allele frequency attached by ClinVar (database versions not stated): gnomAD exomes 0.00006 and 0.00011; TOPMed 0.00006; gnomAD 0.00007; ExAC 0.00008.

Submissions (3):

Labcorp Genetics (formerly Invitae), Labcorp
Classification: Uncertain significance. Last evaluated: 2024-10-29. Review status: criteria provided, single submitter. Criteria: Invitae Variant Classification Sherloc (09022015). Collection method: clinical testing. Allele origin: germline.
Comment: This sequence change replaces proline, which is neutral and non-polar, with serine, which is neutral and polar, at codon 428 of the AHR protein (p.Pro428Ser). This variant is present in population databases (rs750208257, gnomAD 0.01%). This variant has not been reported in the literature in individuals affected with AHR-related conditions. ClinVar contains an entry for this variant (Variation ID: 1523275). An algorithm developed to predict the effect of missense changes on protein structure and function outputs the following: PolyPhen-2: "Possibly Damaging". The serine amino acid residue is found in multiple mammalian species, which suggests that this missense change does not adversely affect protein function. In summary, the available evidence is currently insufficient to determine the role of this variant in disease. Therefore, it has been classified as a Variant of Uncertain Significance.

Ambry Genetics
Classification: Uncertain significance. Last evaluated: 2023-11-03. Review status: criteria provided, single submitter. Criteria: Ambry Variant Classification Scheme 2023. Collection method: clinical testing. Allele origin: germline.

Institute of Human Genetics, Univ. Regensburg, Univ. Regensburg
Classification: Uncertain significance for Retinal dystrophy. Last evaluated: 2023-01-01. Review status: no assertion criteria provided. Criteria: ACMG Guidelines, 2015. Collection method: clinical testing. Allele origin: germline. Affected: yes. Not counted in ClinVar's aggregate classification.

NM_001621.5(AHR):c.1282C>T (p.Pro428Ser)

Gene: AHR (aryl hydrocarbon receptor; plus strand). Cytogenetic location: 7p21.1.
Variant type: single nucleotide variant.
Coding change: c.1282C>T on transcript NM_001621.5 (MANE Select); coding-DNA position 1282, C replaced by T.
Protein change: p.Pro428Ser; replaces proline 428 with serine.
Molecular consequence: missense variant.
Genome position (GRCh38, 1-based): chr7:17,339,107, C>T. VCF-style: chr7-17339107-C-T. GRCh37 (hg19) VCF-style: chr7-17378731-C-T.
Other names: c.1282C>T (NM_001621.4); short protein forms P428S.
Identifiers: ClinVar variation 1523275 (VCV001523275.7), dbSNP rs750208257, ClinGen allele CA4172076.